The following is an entry in ClinVar:

ClinVar aggregate classification (germline): Uncertain significance (0 of 4 stars; one submission).

Conditions:
NEO1-related disorder. Also called: NEO1-related condition.

Allele frequency attached by ClinVar (database versions not stated): TOPMed below 0.00001; gnomAD 0.00001.
gnomAD v4.1: 1 of 1,613,400 alleles (0.000062%); highest among the groups gnomAD compares: Non-Finnish European, 0.000085%; no homozygotes.

Submission:

PreventionGenetics, part of Exact Sciences
Classification: Uncertain significance for NEO1-related condition. Last evaluated: 2023-12-13. Review status: no assertion criteria provided. Collection method: clinical testing. Allele origin: germline.
Comment: The NEO1 c.1282C>T variant is predicted to result in the amino acid substitution p.Leu428Phe. To our knowledge, this variant has not been reported in the literature or in a large population database, indicating this variant is rare. At this time, the clinical significance of this variant is uncertain due to the absence of conclusive functional and genetic evidence.

NM_002499.4(NEO1):c.1282C>T (p.Leu428Phe)

Gene: NEO1 (neogenin 1; plus strand). Cytogenetic location: 15q24.1.
Variant type: single nucleotide variant.
Coding change: c.1282C>T on transcript NM_002499.4 (MANE Select); coding-DNA position 1282, C replaced by T.
Protein change: p.Leu428Phe; replaces leucine 428 with phenylalanine.
Molecular consequence: missense variant.
Genome position (GRCh38, 1-based): chr15:73,178,418, C>T. VCF-style: chr15-73178418-C-T. GRCh37 (hg19) VCF-style: chr15-73470759-C-T.
Other names: c.1282C>T, p.Leu428Phe (NM_001172623.2, NM_001172624.2, NM_001419531.1); short protein forms L428F.
Identifiers: ClinVar variation 3044016 (VCV003044016.2), dbSNP rs2035403005, ClinGen allele CA393076341.